The following is an entry in ClinVar:

NM_002439.5(MSH3):c.865A>G (p.Arg289Gly)

Gene: MSH3 (mutS homolog 3; plus strand). Cytogenetic location: 5q14.1.
Variant type: single nucleotide variant.
Coding change: c.865A>G on transcript NM_002439.5 (MANE Select); coding-DNA position 865, A replaced by G.
Protein change: p.Arg289Gly; replaces arginine 289 with glycine.
Molecular consequence: missense variant.
Genome position (GRCh38, 1-based): chr5:80,672,316, A>G. VCF-style: chr5-80672316-A-G. GRCh37 (hg19) VCF-style: chr5-79968135-A-G.
Other names: short protein forms R289G.
Identifiers: ClinVar variation 3345439 (VCV003345439.1).

ClinVar aggregate classification (germline): Uncertain significance (0 of 4 stars; one submission).

Conditions:
MSH3-related disorder. Also called: MSH3-related condition.

Submission:

PreventionGenetics, part of Exact Sciences
Classification: Uncertain significance for MSH3-related condition. Last evaluated: 2024-05-14. Review status: no assertion criteria provided. Collection method: clinical testing. Allele origin: germline.
Comment: The MSH3 c.865A>G variant is predicted to result in the amino acid substitution p.Arg289Gly. To our knowledge, this variant has not been reported in the literature or in a large population database, indicating this variant is rare. At this time, the clinical significance of this variant is uncertain due to the absence of conclusive functional and genetic evidence.